The following is an entry in ClinVar:

ClinVar aggregate classification (germline): Pathogenic (1 of 4 stars; one submission).

Conditions:
Joubert syndrome. Also called: CEREBELLOPARENCHYMAL DISORDER IV; JOUBERT-BOLTSHAUSER SYNDROME; Familial aplasia of the vermis. Identifiers: Orphanet 475, MedGen C5979921, MONDO:0018772.
Nephronophthisis. Also called: Juvenile Nephronophthisis. Identifiers: Orphanet 655, MedGen C0687120, MONDO:0019005, HP:0000090.
Meckel-Gruber syndrome. Also called: DYSENCEPHALIA SPLANCHNOCYSTICA; GRUBER SYNDROME; Dysencephalia splachnocystica. Identifiers: Orphanet 564, MedGen C0265215, MONDO:0018921.

gnomAD v4.1: 13 of 1,285,130 alleles (0.001%); highest among the groups gnomAD compares: South Asian, 0.0039%; no homozygotes.

Submission:

Labcorp Genetics (formerly Invitae), Labcorp
Classification: Pathogenic for Joubert syndrome; Meckel-Gruber syndrome; Nephronophthisis. Last evaluated: 2024-11-06. Review status: criteria provided, single submitter. Criteria: Invitae Variant Classification Sherloc (09022015). Collection method: clinical testing. Allele origin: germline.
Comment: This sequence change creates a premature translational stop signal (p.Ser607*) in the CEP290 gene. It is expected to result in an absent or disrupted protein product. Loss-of-function variants in CEP290 are known to be pathogenic (PMID: 16909394, 17345604, 20690115). This variant is not present in population databases (gnomAD no frequency). This variant has not been reported in the literature in individuals affected with CEP290-related conditions. For these reasons, this variant has been classified as Pathogenic.

Literature cited by the submitters: PubMed 16909394; PubMed 17345604; PubMed 20690115.

NM_025114.4(CEP290):c.1820C>A (p.Ser607Ter)

Gene: CEP290 (centrosomal protein 290; minus strand). Cytogenetic location: 12q21.32.
Variant type: single nucleotide variant.
Coding change: c.1820C>A on transcript NM_025114.4 (MANE Select); coding-DNA position 1820, C replaced by A.
Protein change: p.Ser607Ter; replaces serine 607 with a stop codon.
Molecular consequence: nonsense.
Genome position (GRCh38, 1-based): chr12:88,117,037, G>T on the plus strand (C>A on the coding strand, the complement: CEP290 is on the minus strand). VCF-style: chr12-88117037-G-T. GRCh37 (hg19) VCF-style: chr12-88510814-G-T.
Other names: short protein forms S607*.
Identifiers: ClinVar variation 3750343 (VCV003750343.2).